The following is an entry in ClinVar:

ClinVar aggregate classification (germline): Uncertain significance (1 of 4 stars; one submission).

Submission:

CeGaT Center for Human Genetics Tuebingen
Classification: Uncertain significance. Last evaluated: 2023-08-01. Review status: criteria provided, single submitter. Criteria: CeGaT Center For Human Genetics Tuebingen Variant Classification Criteria Version 2. Collection method: clinical testing. Allele origin: germline. Affected: yes. Observed: 1 variant allele.
Comment: WASHC5: PM2

NM_014846.4(WASHC5):c.3072C>A (p.Asn1024Lys)

Gene: WASHC5 (WASH complex subunit 5; minus strand). Cytogenetic location: 8q24.13.
Variant type: single nucleotide variant.
Coding change: c.3072C>A on transcript NM_014846.4 (MANE Select); coding-DNA position 3072, C replaced by A.
Protein change: p.Asn1024Lys; replaces asparagine 1024 with lysine.
Molecular consequence: missense variant.
Genome position (GRCh38, 1-based): chr8:125,038,842, G>T on the plus strand (C>A on the coding strand, the complement: WASHC5 is on the minus strand). VCF-style: chr8-125038842-G-T. GRCh37 (hg19) VCF-style: chr8-126051084-G-T.
Other names: c.2628C>A, p.Asn876Lys (NM_001330609.2); short protein forms N1024K, N876K.
Identifiers: ClinVar variation 2658801 (VCV002658801.24), dbSNP rs2129991161, ClinGen allele CA372184550.
Genomic context (GRCh38, chr8:125,038,842, plus strand): 5'-TACCATTCTGTACCCCCATCCCCGCCATTATATATTTTAATTACTCACCTTATTCAGTGG[G>T]TTGTGAATGCCAGCTGCCTCCAGATAGGCTGTGATTTCATATAAAAGTGTGTTATCTTCT-3'
Protein context (NP_055661.3, residues 1014-1034): TAYLEAAGIH[Asn1024Lys]PLNKIYITTK